The following is an entry in ClinVar:

ClinVar aggregate classification (germline): Conflicting classifications of pathogenicity. Review status: criteria provided, conflicting classifications (1 of 4 stars). 4 submissions from 4 submitters: Uncertain significance (3); Benign (1). Last evaluated 2025-12-03.

Conditions:
Hereditary breast ovarian cancer syndrome. Also called: Hereditary breast and ovarian cancer; Hereditary breast and ovarian cancer syndrome (HBOC); Hereditary breast and ovarian cancer syndrome; BRCA1- and BRCA2-Associated Hereditary Breast and Ovarian Cancer; Breast and ovarian cancer; Hereditary breast and/or ovarian cancer syndrome. Identifiers: Orphanet 145, MedGen C0677776, MeSH D061325, MONDO:0003582. Disease mechanism: loss of function.
Hereditary cancer-predisposing syndrome. Also called: Tumor predisposition; Neoplastic Syndromes, Hereditary; Hereditary neoplastic syndrome; Hereditary Cancer Syndrome. Identifiers: Orphanet 140162, MedGen C0027672, MeSH D009386, MONDO:0015356.
Breast-ovarian cancer, familial, susceptibility to, 2 (BROVCA2). Also called: BRCA2 Hereditary Breast and Ovarian Cancer. Identifiers: Orphanet 145, MedGen C2675520, MONDO:0012933, OMIM 612555. Disease mechanism: loss of function.

Allele frequency attached by ClinVar (database versions not stated): gnomAD exomes below 0.00001.
gnomAD v4.1: 4 of 1,614,200 alleles (0.00025%); highest among the groups gnomAD compares: Non-Finnish European, 0.00034%; no homozygotes.

Submissions (4):

Labcorp Genetics (formerly Invitae), Labcorp
Classification: Uncertain significance for Hereditary breast ovarian cancer syndrome. Last evaluated: 2025-12-03. Review status: criteria provided, single submitter. Criteria: Invitae Variant Classification Sherloc (09022015). Collection method: clinical testing. Allele origin: germline.
Comment: This sequence change replaces asparagine, which is neutral and polar, with serine, which is neutral and polar, at codon 2742 of the BRCA2 protein (p.Asn2742Ser). This variant is not present in population databases (gnomAD no frequency). This missense change has been observed in individual(s) with breast cancer (PMID: 12655560). This variant is also known as c.8453A>G. ClinVar contains an entry for this variant (Variation ID: 142847). Invitae Evidence Modeling of protein sequence and biophysical properties (such as structural, functional, and spatial information, amino acid conservation, physicochemical variation, residue mobility, and thermodynamic stability) indicates that this missense variant is not expected to disrupt BRCA2 protein function with a negative predictive value of 95%. In summary, the available evidence is currently insufficient to determine the role of this variant in disease. Therefore, it has been classified as a Variant of Uncertain Significance.

Ambry Genetics
Classification: Benign for Hereditary cancer-predisposing syndrome. Last evaluated: 2025-04-10. Review status: criteria provided, single submitter. Criteria: Ambry Variant Classification Scheme 2023. Collection method: clinical testing. Allele origin: germline.

All of Us Research Program, National Institutes of Health
Classification: Uncertain significance for Breast-ovarian cancer, familial, susceptibility to, 2. Last evaluated: 2023-05-16. Review status: criteria provided, single submitter. Criteria: ACMG Guidelines, 2015. Collection method: clinical testing. Allele origin: germline. Inheritance: Autosomal dominant inheritance. Observed: 1 variant allele, 1 heterozygote.
Comment: This missense variant replaces asparagine with serine at codon 2742 of the BRCA2 protein. Computational prediction suggests that this variant may not impact protein structure and function (internally defined REVEL score threshold <= 0.5, PMID: 27666373). To our knowledge, functional studies have not been reported for this variant. This variant has been reported in an individual affected with breast or breast and ovarian cancer (PMID: 12655560). This variant has not been identified in the general population by the Genome Aggregation Database (gnomAD). The available evidence is insufficient to determine the role of this variant in disease conclusively. Therefore, this variant is classified as a Variant of Uncertain Significance.

This study involves interpretation of variants in research participants for the purpose of population health screening. Participant phenotype was not available at the time of variant classification. Additional details can be found in publication PMID: 35346344, PMCID: PMC8962531

Women's Health and Genetics/Laboratory Corporation of America, LabCorp
Classification: Uncertain significance. Last evaluated: 2021-07-18. Review status: criteria provided, single submitter. Criteria: LabCorp Variant Classification Summary - May 2015. Collection method: clinical testing. Allele origin: germline.
Comment: Variant summary: BRCA2 c.8225A>G (p.Asn2742Ser) results in a conservative amino acid change located in the BRCA2, OB1 domain (IPR015187) of the encoded protein sequence. Five of five in-silico tools predict a benign effect of the variant on protein function. The variant was absent in 249656 control chromosomes. The available data on variant occurrences in the general population are insufficient to allow any conclusion about variant significance. c.8225A>G has been reported in the literature in individuals affected with breast cancer (example, Manguoglu_2003). These report(s) do not provide unequivocal conclusions about association of the variant with Hereditary Breast And Ovarian Cancer Syndrome. To our knowledge, no experimental evidence demonstrating an impact on protein function has been reported. Two clinical diagnostic laboratories have submitted clinical-significance assessments for this variant to ClinVar after 2014 without evidence for independent evaluation. All laboratories classified the variant as uncertain significance citing overlapping evidence utilized in the context of this evaluation. Based on the evidence outlined above, the variant was classified as uncertain significance.

Literature cited by the submitters: PubMed 12655560 (cited by 4 submitters); PubMed 21156238 (cited by Women's Health and Genetics/Laboratory Corporation of America, LabCorp).

NM_000059.4(BRCA2):c.8225A>G (p.Asn2742Ser)

Gene: BRCA2 (BRCA2 DNA repair associated; plus strand). Cytogenetic location: 13q13.1.
Variant type: single nucleotide variant.
Coding change: c.8225A>G on transcript NM_000059.4 (MANE Select); coding-DNA position 8225, A replaced by G.
Protein change: p.Asn2742Ser; replaces asparagine 2742 with serine.
Molecular consequence: missense variant.
Genome position (GRCh38, 1-based): chr13:32,363,427, A>G. VCF-style: chr13-32363427-A-G. GRCh37 (hg19) VCF-style: chr13-32937564-A-G.
Other names: short protein forms N2742S.
Identifiers: ClinVar variation 142847 (VCV000142847.18), dbSNP rs587782763, ClinGen allele CA025525.